The following is an entry in ClinVar:

ClinVar aggregate classification (germline): Likely pathogenic. Review status: criteria provided, multiple submitters, no conflicts (2 of 4 stars). 3 submissions from 3 submitters: Likely pathogenic (3). Last evaluated 2026-03-13.

Conditions:
Hereditary cancer-predisposing syndrome. Also called: Hereditary Cancer Syndrome; Neoplastic Syndromes, Hereditary; Tumor predisposition; Hereditary neoplastic syndrome. Identifiers: Orphanet 140162, MedGen C0027672, MeSH D009386, MONDO:0015356.
Mitochondrial complex II deficiency, nuclear type 1. Also called: SUCCINATE CoQ REDUCTASE DEFICIENCY. Identifiers: Orphanet 3208, MedGen C5700310, MONDO:0100294, OMIM 252011.
Pheochromocytoma/paraganglioma syndrome 5. Also called: Paragangliomas 5; SDHA-Related Hereditary Paraganglioma-Pheochromocytoma Syndrome. Identifiers: Orphanet 29072, MedGen C3279992, MONDO:0013602, OMIM 614165.

Allele frequency attached by ClinVar (database versions not stated): TOPMed below 0.00001; gnomAD exomes 0.00001; ESP Exome Variant Server 0.00008.
gnomAD v4.1: 6 of 1,613,894 alleles (0.00037%); highest among the groups gnomAD compares: Non-Finnish European, 0.00051%; no homozygotes.

Submissions (3):

Myriad Genetics, Inc.
Classification: Likely pathogenic for Pheochromocytoma/paraganglioma syndrome 5. Last evaluated: 2026-03-13. Review status: criteria provided, single submitter. Criteria: Myriad Autosomal Dominant, Autosomal Recessive and X-Linked Classification Criteria (2023). Collection method: clinical testing. Allele origin: unknown.
Comment: This variant is considered likely pathogenic. Functional studies indicate this variant impacts protein function [PMID: 39321216]. This variant is expected to disrupt protein structure [Myriad internal data]. This variant has been reported in multiple individuals with clinical features of gene-specific disease [PMID: 28384794; personal communications 2026].

Labcorp Genetics (formerly Invitae), Labcorp
Classification: Likely pathogenic for Pheochromocytoma/paraganglioma syndrome 5; Mitochondrial complex II deficiency, nuclear type 1. Last evaluated: 2026-01-27. Review status: criteria provided, single submitter. Criteria: Invitae Variant Classification Sherloc (09022015). Collection method: clinical testing. Allele origin: germline.
Comment: This sequence change replaces glycine, which is neutral and non-polar, with glutamic acid, which is acidic and polar, at codon 439 of the SDHA protein (p.Gly439Glu). This variant is not present in population databases (gnomAD no frequency). This missense change has been observed in individuals with paraganglioma and/or gastrointestinal stromal tumor (PMID: 28384794; internal data). ClinVar contains an entry for this variant (Variation ID: 952803). Invitae Evidence Modeling of protein sequence and biophysical properties (such as structural, functional, and spatial information, amino acid conservation, physicochemical variation, residue mobility, and thermodynamic stability) indicates that this missense variant is expected to disrupt SDHA protein function with a positive predictive value of 95%. Experimental studies have shown that this missense change affects SDHA function (PMID: 28724664, 39321216). In summary, the currently available evidence indicates that the variant is pathogenic, but additional data are needed to prove that conclusively. Therefore, this variant has been classified as Likely Pathogenic.

Ambry Genetics
Classification: Likely pathogenic for Hereditary cancer-predisposing syndrome. Last evaluated: 2025-09-15. Review status: criteria provided, single submitter. Criteria: Ambry Variant Classification Scheme 2023. Collection method: clinical testing. Allele origin: germline.
Comment: The p.G439E variant (also known as c.1316G>A), located in coding exon 10 of the SDHA gene, results from a G to A substitution at nucleotide position 1316. The glycine at codon 439 is replaced by glutamic acid, an amino acid with similar properties. This variant was reported in individual(s) with features consistent with SDHA-related hereditary pheochromocytoma-paraganglioma (Bausch B et al. JAMA Oncol, 2017 Sep;3:1204-1212). In an assay testing SDHA function, this variant showed a functionally abnormal result (Kent JD et al. Clin Cancer Res, 2024 Dec;30:5399-5412). This amino acid position is highly conserved in available vertebrate species. In addition, this alteration is predicted to be deleterious by in silico analysis. This variant is considered to be rare based on population cohorts in the Genome Aggregation Database (gnomAD). Based on the majority of available evidence to date, this variant is likely to be pathogenic.

Literature cited by the submitters: PubMed 39321216 (cited by 3 submitters); PubMed 28384794 (cited by 3 submitters); PubMed 28724664 (cited by Labcorp Genetics (formerly Invitae), Labcorp).

NM_004168.4(SDHA):c.1316G>A (p.Gly439Glu)

Gene: SDHA (succinate dehydrogenase complex flavoprotein subunit A; plus strand). Cytogenetic location: 5p15.33.
Variant type: single nucleotide variant.
Coding change: c.1316G>A on transcript NM_004168.4 (MANE Select); coding-DNA position 1316, G replaced by A.
Protein change: p.Gly439Glu; replaces glycine 439 with glutamic acid.
Molecular consequence: missense variant.
Genome position (GRCh38, 1-based): chr5:236,483, G>A. VCF-style: chr5-236483-G-A. GRCh37 (hg19) VCF-style: chr5-236598-G-A.
Other names: c.1172G>A, p.Gly391Glu (NM_001294332.2); c.1316G>A, p.Gly439Glu (NM_001330758.2); c.1316G>A (NM_004168.2); short protein forms G391E, G439E.
Identifiers: ClinVar variation 952803 (VCV000952803.14), dbSNP rs374086655, ClinGen allele CA112826834.